The following is an entry in ClinVar:

ClinVar aggregate classification (germline): Benign/Likely benign. Review status: criteria provided, multiple submitters, no conflicts (2 of 4 stars). 11 submissions from 11 submitters: Benign (2); Likely benign (7). 2 of the submissions do not count toward it. Last evaluated 2026-01-31.

Conditions:
MSH6-related disorder. Also called: MSH6-related condition; MSH6-Related disorders.
Breast and/or ovarian cancer. Identifiers: MedGen CN221562.
Hereditary nonpolyposis colorectal neoplasms. Identifiers: MedGen C0009405, MeSH D003123.
Hereditary cancer-predisposing syndrome. Also called: Tumor predisposition; Hereditary Cancer Syndrome; Hereditary neoplastic syndrome; Neoplastic Syndromes, Hereditary. Identifiers: Orphanet 140162, MedGen C0027672, MeSH D009386, MONDO:0015356.
Lynch syndrome. Identifiers: Orphanet 144, MedGen C4552100, MONDO:0005835. Disease mechanism: loss of function.
Lynch syndrome 5 (LYNCH5). Also called: Colorectal cancer, hereditary nonpolyposis, type 5; Hereditary non-polyposis colorectal cancer, type 5. Identifiers: Orphanet 144, MedGen C1833477, MONDO:0013710, OMIM 614350. Disease mechanism: loss of function.

Allele frequency attached by ClinVar (database versions not stated): TOPMed 0.00004.

Submissions (11):

Labcorp Genetics (formerly Invitae), Labcorp
Classification: Likely benign for Hereditary nonpolyposis colorectal neoplasms. Last evaluated: 2026-01-31. Review status: criteria provided, single submitter. Criteria: Invitae Variant Classification Sherloc (09022015). Collection method: clinical testing. Allele origin: germline.

Myriad Genetics, Inc.
Classification: Benign for Lynch syndrome 5. Last evaluated: 2024-12-30. Review status: criteria provided, single submitter. Criteria: Myriad Autosomal Dominant, Autosomal Recessive and X-Linked Classification Criteria (2023). Collection method: clinical testing. Allele origin: unknown.
Comment: This variant is considered benign. This variant is a silent/synonymous amino acid change and it is not expected to impact splicing.

All of Us Research Program, National Institutes of Health
Classification: Likely benign for Lynch syndrome. Last evaluated: 2024-01-11. Review status: criteria provided, single submitter. Criteria: ACMG Guidelines, 2015. Collection method: clinical testing. Allele origin: germline. Inheritance: Autosomal dominant inheritance. Observed: 5 variant alleles, 5 heterozygotes.
Comment: This study involves interpretation of variants in research participants for the purpose of population health screening. Participant phenotype was not available at the time of variant classification. Additional details can be found in publication PMID: 35346344, PMCID: PMC8962531

CHEO Genetics Diagnostic Laboratory, Children's Hospital of Eastern Ontario
Classification: Likely benign for Breast and/or ovarian cancer. Last evaluated: 2022-08-31. Review status: criteria provided, single submitter. Criteria: ACMG Guidelines, 2015. Collection method: clinical testing. Allele origin: germline.

Sema4
Classification: Likely benign for Hereditary cancer-predisposing syndrome. Last evaluated: 2021-05-10. Review status: criteria provided, single submitter. Criteria: Sema4 Curation Guidelines. Collection method: curation. Allele origin: germline.

Women's Health and Genetics/Laboratory Corporation of America, LabCorp
Classification: Likely benign. Last evaluated: 2020-08-06. Review status: criteria provided, single submitter. Criteria: LabCorp Variant Classification Summary - May 2015. Collection method: clinical testing. Allele origin: germline.

Ambry Genetics
Classification: Likely benign for Hereditary cancer-predisposing syndrome. Last evaluated: 2016-04-27. Review status: criteria provided, single submitter. Criteria: Ambry Variant Classification Scheme 2023. Collection method: clinical testing. Allele origin: germline.

Color Diagnostics, LLC DBA Color Health
Classification: Likely benign for Hereditary cancer-predisposing syndrome. Last evaluated: 2015-09-30. Review status: criteria provided, single submitter. Criteria: ACMG Guidelines, 2015. Collection method: clinical testing. Allele origin: germline.

GeneDx
Classification: Benign. Last evaluated: 2014-10-02. Review status: criteria provided, single submitter. Criteria: GeneDx Variant Classification (06012015). Collection method: clinical testing. Allele origin: germline. Affected: yes.
Comment: This variant is considered likely benign or benign based on one or more of the following criteria: it is a conservative change, it occurs at a poorly conserved position in the protein, it is predicted to be benign by multiple in silico algorithms, and/or has population frequency not consistent with disease.

PreventionGenetics, part of Exact Sciences
Classification: Likely benign for MSH6-related condition. Last evaluated: 2023-07-17. Review status: no assertion criteria provided. Collection method: clinical testing. Allele origin: germline. Not counted in ClinVar's aggregate classification.
Comment: This variant is classified as likely benign based on ACMG/AMP sequence variant interpretation guidelines (Richards et al. 2015 PMID: 25741868, with internal and published modifications).

Mayo Clinic Laboratories, Mayo Clinic
Classification: Likely benign. Review status: no assertion criteria provided. Collection method: research. Allele origin: unknown. Observed: 1 variant allele. Not counted in ClinVar's aggregate classification.

NM_000179.3(MSH6):c.2187C>A (p.Ala729=)

Gene: MSH6 (mutS homolog 6; plus strand). Cytogenetic location: 2p16.3.
Variant type: single nucleotide variant.
Coding change: c.2187C>A on transcript NM_000179.3 (MANE Select); coding-DNA position 2187, C replaced by A.
Protein change: p.Ala729=; no amino-acid change (alanine 729 retained).
Molecular consequence: synonymous variant.
Genome position (GRCh38, 1-based): chr2:47,800,170, C>A. VCF-style: chr2-47800170-C-A. GRCh37 (hg19) VCF-style: chr2-48027309-C-A.
Other names: p.A729A:GCC>GCA; c.1797C>A, p.Ala599= (NM_001281492.2); c.1281C>A, p.Ala427= (NM_001281493.2, NM_001281494.2).
Identifiers: ClinVar variation 182664 (VCV000182664.28), dbSNP rs375610656, ClinGen allele CA009834.